The following is an entry in ClinVar:

ClinVar aggregate classification (germline): Pathogenic. Review status: reviewed by expert panel (3 of 4 stars). 4 submissions from 4 submitters: Pathogenic (1). 3 of the submissions do not count toward it. Last evaluated 2022-10-14.

Conditions:
Phenylketonuria (PKU). Also called: Phenylketonuria (PKU); FOLLING DISEASE; OLIGOPHRENIA PHENYLPYRUVICA; Phenylketonurias. Identifiers: Orphanet 716, MedGen C0031485, MONDO:0009861, OMIM 261600. Disease mechanism: loss of function.

Submissions (4):

ClinGen PAH Variant Curation Expert Panel
Classification: Pathogenic for Phenylketonuria. Last evaluated: 2022-10-14. Review status: reviewed by expert panel. Criteria: ClinGen PAH ACMG Specifications v1. Collection method: curation. Allele origin: germline. Inheritance: Autosomal recessive inheritance.
Comment: This c.400C>T (p.Gln134Ter) variant in PAH was detected in a patient with PKU (PMID:17096675). This variant was absent in population databases. This was predicted as a null variant in PAH where LOF is a known mechanism of disease. This is a nonsense variant in exon 4 of 13 coding exons predicted to undergo nonsense mediated decay. In summary, this variant meets criteria to be classified as pathogenic for PAH. PAH-specific ACMG/AMP criteria applied: PVS1,PM2,PP4.

Women's Health and Genetics/Laboratory Corporation of America, LabCorp
Classification: Pathogenic for Phenylketonuria. Last evaluated: 2024-10-15. Review status: criteria provided, single submitter. Criteria: LabCorp Variant Classification Summary - May 2015. Collection method: clinical testing. Allele origin: germline. Not counted in ClinVar's aggregate classification.
Comment: Variant summary: PAH c.400C>T (p.Gln134X) results in a premature termination codon, predicted to cause a truncation of the encoded protein or absence of the protein due to nonsense mediated decay, which are commonly known mechanisms for disease. The variant was absent in 251466 control chromosomes. c.400C>T has been reported in the literature in at least 1 individual affected with Phenylalanine Hydroxylase Deficiency (Phenylketonuria) (example, Hillert_2020). The following publication has been ascertained in the context of this evaluation (PMID: 32668217). ClinVar contains an entry for this variant (Variation ID: 102664). Based on the evidence outlined above, the variant was classified as pathogenic.

Counsyl
Classification: Likely pathogenic for Phenylketonuria. Last evaluated: 2015-01-21. Review status: no assertion criteria provided. Collection method: literature only. Allele origin: unknown. Inheritance: Autosomal recessive inheritance. Not counted in ClinVar's aggregate classification.

DeBelle Laboratory for Biochemical Genetics, MUHC/MCH RESEARCH INSTITUTE
No classification provided. Review status: no classification provided. Collection method: not provided. Allele origin: not provided. Not counted in ClinVar's aggregate classification.

Literature cited by the submitters: PubMed 32668217 (cited by Women's Health and Genetics/Laboratory Corporation of America, LabCorp); PubMed 17096675 (cited by Counsyl).

NM_000277.3(PAH):c.400C>T (p.Gln134Ter)

Gene: PAH (phenylalanine hydroxylase; minus strand). Cytogenetic location: 12q23.2.
Variant type: single nucleotide variant.
Coding change: c.400C>T on transcript NM_000277.3 (MANE Select); coding-DNA position 400, C replaced by T.
Protein change: p.Gln134Ter; replaces glutamine 134 with a stop codon.
Molecular consequence: nonsense.
Genome position (GRCh38, 1-based): chr12:102,877,503, G>A on the plus strand (C>T on the coding strand, the complement: PAH is on the minus strand). VCF-style: chr12-102877503-G-A. GRCh37 (hg19) VCF-style: chr12-103271281-G-A.
Other names: NM_000277.3(PAH):c.400C>T; p.Gln134Ter; c.400C>T, p.Gln134Ter (NM_001354304.2); short protein forms Q134*.
Identifiers: ClinVar variation 102664 (VCV000102664.6), dbSNP rs199475680, ClinGen allele CA229534.